The following is an entry in ClinVar:

ClinVar aggregate classification (germline): Uncertain significance (1 of 4 stars; one submission).

Conditions:
DICER1-related tumor predisposition. Also called: DICER1-related pleuropulmonary blastoma cancer predisposition syndrome; DICER1 syndrome. Identifiers: Orphanet 284343, MedGen C3839822, MONDO:0100216.

Submission:

Labcorp Genetics (formerly Invitae), Labcorp
Classification: Uncertain significance for DICER1-related tumor predisposition. Last evaluated: 2020-11-28. Review status: criteria provided, single submitter. Criteria: Invitae Variant Classification Sherloc (09022015). Collection method: clinical testing. Allele origin: germline.
Comment: In summary, the available evidence is currently insufficient to determine the role of this variant in disease. Therefore, it has been classified as a Variant of Uncertain Significance. Algorithms developed to predict the effect of missense changes on protein structure and function are either unavailable or do not agree on the potential impact of this missense change (SIFT: "Deleterious"; PolyPhen-2: "Probably Damaging"; Align-GVGD: "Class C15"). This variant has not been reported in the literature in individuals with DICER1-related conditions. This variant is not present in population databases (ExAC no frequency). This sequence change replaces leucine with phenylalanine at codon 384 of the DICER1 protein (p.Leu384Phe). The leucine residue is highly conserved and there is a small physicochemical difference between leucine and phenylalanine.

NM_177438.3(DICER1):c.1152A>T (p.Leu384Phe)

Gene: DICER1 (dicer 1, ribonuclease III; minus strand). Cytogenetic location: 14q32.13.
Variant type: single nucleotide variant.
Coding change: c.1152A>T on transcript NM_177438.3 (MANE Select); coding-DNA position 1152, A replaced by T.
Protein change: p.Leu384Phe; replaces leucine 384 with phenylalanine.
Molecular consequence: missense variant.
Genome position (GRCh38, 1-based): chr14:95,124,420, T>A on the plus strand (A>T on the coding strand, the complement: DICER1 is on the minus strand). VCF-style: chr14-95124420-T-A. GRCh37 (hg19) VCF-style: chr14-95590757-T-A.
Other names: c.1152A>T, p.Leu384Phe (NM_001195573.1, NM_001271282.3, NM_001291628.2 and 1 more transcripts); short protein forms L384F.
Identifiers: ClinVar variation 1465303 (VCV001465303.9), dbSNP rs1595439173, ClinGen allele CA390886850.
Genomic context (GRCh38, chr14:95,124,420, plus strand): 5'-TCTATTATTATACCACTCAACGCTTTCAAACTGCTGTCGCTCATATGGTTTATATTTGCG[T>A]AAGATTTCGAGCAGTTTGATTACTTTAGGAGTTACAAATTTCAGGTCAAGTGAGGCAGGT-3'
Protein context (NP_803187.1, residues 374-394): TPKVIKLLEI[Leu384Phe]RKYKPYERQQ